The following is an entry in ClinVar:

NM_000214.3(JAG1):c.1303T>G (p.Tyr435Asp)

Gene: JAG1 (jagged canonical Notch ligand 1; minus strand). Cytogenetic location: 20p12.2.
Variant type: single nucleotide variant.
Coding change: c.1303T>G on transcript NM_000214.3 (MANE Select); coding-DNA position 1303, T replaced by G.
Protein change: p.Tyr435Asp; replaces tyrosine 435 with aspartic acid.
Molecular consequence: missense variant.
Genome position (GRCh38, 1-based): chr20:10,649,567, A>C on the plus strand (T>G on the coding strand, the complement: JAG1 is on the minus strand). VCF-style: chr20-10649567-A-C. GRCh37 (hg19) VCF-style: chr20-10630215-A-C.
Other names: short protein forms Y435D.
Identifiers: ClinVar variation 3287119 (VCV003287119.1).
Genomic context (GRCh38, chr20:10,649,567, plus strand): 5'-AACAAAGTCACTCACTTATGTCACAATTCTGACCCATCCAGCCGGGAAGACAGTCGCAGT[A>C]GTAGCTGGCAATGAGATTCTTACAGGATTTGGCGTTTACACAAGGTTTGGCCTCACATTC-3'
Protein context (NP_000205.1, residues 425-445): KSCKNLIASY[Tyr435Asp]CDCLPGWMGQ

ClinVar aggregate classification (germline): Uncertain significance (1 of 4 stars; one submission).

Conditions:
Cardiovascular phenotype. Identifiers: MedGen CN230736.

Submission:

Ambry Genetics
Classification: Uncertain significance for Cardiovascular phenotype. Last evaluated: 2024-06-21. Review status: criteria provided, single submitter. Criteria: Ambry Variant Classification Scheme 2023. Collection method: clinical testing. Allele origin: germline.
Comment: The p.Y435D variant (also known as c.1303T>G), located in coding exon 10 of the JAG1 gene, results from a T to G substitution at nucleotide position 1303. The tyrosine at codon 435 is replaced by aspartic acid, an amino acid with highly dissimilar properties. This amino acid position is conserved. In addition, this alteration is predicted to be deleterious by in silico analysis. Based on the available evidence, the clinical significance of this variant remains unclear.